The following is an entry in ClinVar:

ClinVar aggregate classification (germline): Pathogenic (1 of 4 stars; one submission).

Submission:

Labcorp Genetics (formerly Invitae), Labcorp
Classification: Pathogenic. Last evaluated: 2024-12-16. Review status: criteria provided, single submitter. Criteria: Invitae Variant Classification Sherloc (09022015). Collection method: clinical testing. Allele origin: germline.
Comment: This sequence change creates a premature translational stop signal (p.Tyr692Thrfs*2) in the VAC14 gene. It is expected to result in an absent or disrupted protein product. Loss-of-function variants in VAC14 are known to be pathogenic (PMID: 17956977, 28635952). This variant is not present in population databases (gnomAD no frequency). This variant has not been reported in the literature in individuals affected with VAC14-related conditions. ClinVar contains an entry for this variant (Variation ID: 1964695). For these reasons, this variant has been classified as Pathogenic.

Literature cited by the submitters: PubMed 17956977; PubMed 28635952.

NM_018052.5(VAC14):c.2073del (p.Tyr692fs)

Gene: VAC14 (VAC14 component of PIKFYVE complex; minus strand). Cytogenetic location: 16q22.1.
Variant type: Deletion.
Coding change: c.2073del on transcript NM_018052.5 (MANE Select); coding-DNA position 2073, one base deleted (C; older notation c.2073delC).
Protein change: p.Tyr692fs; shifts the reading frame from tyrosine 692.
Molecular consequence: frameshift variant.
Genome position (GRCh38, 1-based): chr16:70,692,934, G deleted on the plus strand (C on the coding strand, the reverse complement: VAC14 is on the minus strand); the first of 4 consecutive G bases (chr16:70,692,934-70,692,937); deleting any one gives the same sequence. VCF-style (leftmost placement, unchanged base first): chr16-70692933-AG-A. GRCh37 (hg19) VCF-style: chr16-70726836-AG-A.
Other names: c.1371del, p.Tyr458fs (NM_001351157.2); short protein forms Y692fs, Y458fs.
Identifiers: ClinVar variation 1964695 (VCV001964695.5), dbSNP rs2507435768, ClinGen allele CA2580091937.
Genomic context (GRCh38, chr16:70,692,933, plus strand): 5'-GCTGGAAGGCGCTGCTCTGCGGCAGGAGCATGAGCAGGCCGTAGAGGGCCTTGATCAGGT[AG>A]GGGTTGTTCTTCACGTCCAGCAGCTGCAGGCGCAGATCTGGGGTAGGCAGAGGGCAGGGG-3'